The following is an entry in ClinVar:

ClinVar aggregate classification (germline): Uncertain significance (1 of 4 stars; one submission).

gnomAD v4.1: 5 of 1,614,100 alleles (0.00031%); highest among the groups gnomAD compares: African/African-American, 0.0013%; no homozygotes.

Submission:

GeneDx
Classification: Uncertain significance. Last evaluated: 2025-08-08. Review status: criteria provided, single submitter. Criteria: GeneDx Variant Classification Process June 2021. Collection method: clinical testing. Allele origin: germline. Affected: yes.
Comment: Not observed at significant frequency in large population cohorts (gnomAD); In silico analysis supports that this missense variant has a deleterious effect on protein structure/function; Has not been previously published as pathogenic or benign to our knowledge

NM_000384.3(APOB):c.5647A>G (p.Thr1883Ala)

Gene: APOB (apolipoprotein B; minus strand). Cytogenetic location: 2p24.1.
Variant type: single nucleotide variant.
Coding change: c.5647A>G on transcript NM_000384.3 (MANE Select); coding-DNA position 5647, A replaced by G.
Protein change: p.Thr1883Ala; replaces threonine 1883 with alanine.
Molecular consequence: missense variant.
Genome position (GRCh38, 1-based): chr2:21,011,221, T>C on the plus strand (A>G on the coding strand, the complement: APOB is on the minus strand). VCF-style: chr2-21011221-T-C. GRCh37 (hg19) VCF-style: chr2-21234093-T-C.
Other names: short protein forms T1883A.
Identifiers: ClinVar variation 4756073 (VCV004756073.1).